The following is an entry in ClinVar:

NM_015073.3(SIPA1L3):c.1005G>A (p.Val335=)

Gene: SIPA1L3 (signal induced proliferation associated 1 like 3; plus strand). Cytogenetic location: 19q13.13.
Variant type: single nucleotide variant.
Coding change: c.1005G>A on transcript NM_015073.3 (MANE Select); coding-DNA position 1005, G replaced by A.
Protein change: p.Val335=; no amino-acid change (valine 335 retained).
Molecular consequence: synonymous variant.
Genome position (GRCh38, 1-based): chr19:38,082,570, G>A. VCF-style: chr19-38082570-G-A. GRCh37 (hg19) VCF-style: chr19-38573210-G-A.
Identifiers: ClinVar variation 744419 (VCV000744419.11), dbSNP rs139865930, ClinGen allele CA9409257.
Genomic context (GRCh38, chr19:38,082,570, plus strand): 5'-GCGTTCCCCGGGGGAGGCCGACGAGGGCCGGAGCCCCCCGGAAGCCAGCAGGCCGTGGGT[G>A]TGTCAGAAGAGCTTCGCCCACTTCGACGTGCAGAGCATGCTGTTCGACCTCAACGAGGCG-3'
Protein context (NP_055888.1, residues 325-345): RSPPEASRPW[Val335=]CQKSFAHFDV

ClinVar aggregate classification (germline): Benign. Review status: criteria provided, single submitter (1 of 4 stars). 2 submissions from 2 submitters: Benign (1). 1 of the submissions does not count toward it. Last evaluated 2025-11-03.

Conditions:
SIPA1L3-related disorder. Also called: SIPA1L3-related condition.

Allele frequency attached by ClinVar (database versions not stated): gnomAD exomes 0.00021 and 0.00053; ExAC 0.00061; gnomAD 0.00225 and 0.00238; 1000 Genomes Project 30x 0.00234; 1000 Genomes Project 0.00240; TOPMed 0.00247; ESP Exome Variant Server 0.00272.
gnomAD v4.1: 652 of 1,604,072 alleles (0.041%); highest among the groups gnomAD compares: African/African-American, 0.8%; 3 homozygotes.

Submissions (2):

Labcorp Genetics (formerly Invitae), Labcorp
Classification: Benign. Last evaluated: 2025-11-03. Review status: criteria provided, single submitter. Criteria: Invitae Variant Classification Sherloc (09022015). Collection method: clinical testing. Allele origin: germline.

PreventionGenetics, part of Exact Sciences
Classification: Likely benign for SIPA1L3-related condition. Last evaluated: 2019-04-03. Review status: no assertion criteria provided. Collection method: clinical testing. Allele origin: germline. Not counted in ClinVar's aggregate classification.
Comment: This variant is classified as likely benign based on ACMG/AMP sequence variant interpretation guidelines (Richards et al. 2015 PMID: 25741868, with internal and published modifications).